The following is an entry in ClinVar:

NM_025136.4(OPA3):c.*698G>A

Genes: OPA3 (outer mitochondrial membrane lipid metabolism regulator OPA3; minus strand), OPA3-RTN2 (OPA3-RTN2 readthrough; minus strand). Cytogenetic location: 19q13.32.
Variant type: single nucleotide variant.
Coding change: c.*698G>A on transcript NM_025136.4 (MANE Select); 698 bases downstream of the stop codon, G replaced by A.
Molecular consequence: 3 prime UTR variant. On other transcripts: intron variant (1).
Genome position (GRCh38, 1-based): chr19:45,552,816, C>T on the plus strand (G>A on the coding strand, the complement: OPA3 is on the minus strand). VCF-style: chr19-45552816-C-T. GRCh37 (hg19) VCF-style: chr19-46056074-C-T.
Other names: c.143-23360G>A (NM_001017989.3).
Identifiers: ClinVar variation 893345 (VCV000893345.4), dbSNP rs561748985, ClinGen allele CA308958053.
Genomic context (GRCh38, chr19:45,552,816, plus strand): 5'-ACCTCCACCTCATGGGTTCAAGCAATTCTCCTGCCTCAGCCTCCCGAGTAGCTGGGATTA[C>T]AAGCGCACCCCACCACACCCGGCTAATTTTTGTATTTTTAGTAGAGACGGAGTTTCACCA-3'

ClinVar aggregate classification (germline): Conflicting classifications of pathogenicity. Review status: criteria provided, conflicting classifications (1 of 4 stars). 2 submissions from 1 submitter: Uncertain significance (1); Benign (1). Last evaluated 2018-01-12.

Conditions:
Optic atrophy 3 (OPA3). Also called: OPTIC ATROPHY 3, AUTOSOMAL DOMINANT; Optic atrophy, cataract, and neurologic disorder; Optic atrophy 3 with cataract. Identifiers: Orphanet 67036, MedGen C1833809, MONDO:0008133, OMIM 165300.
3-Methylglutaconic aciduria type 3 (MGCA3). Also called: OPA3, AUTOSOMAL RECESSIVE; OPA3-Related 3-Methylglutaconic Aciduria; Costeff Syndrome; OPTIC ATROPHY 3, AUTOSOMAL RECESSIVE. Identifiers: Orphanet 67047, MedGen C0574084, MONDO:0009787, OMIM 258501.

Allele frequency attached by ClinVar (database versions not stated): TOPMed 0.00052; gnomAD exomes 0.00057; 1000 Genomes Project 0.00060; 1000 Genomes Project 30x 0.00062; gnomAD 0.00063 and 0.00065.
gnomAD v4.1: 109 of 179,178 alleles (0.061%); highest among the groups gnomAD compares: Middle Eastern, 0.28%; no homozygotes.

Submissions (2):

Illumina Laboratory Services, Illumina
Classification: Benign for Optic atrophy 3. Last evaluated: 2018-01-12. Review status: criteria provided, single submitter. Criteria: ICSL Variant Classification Criteria 13 December 2019. Collection method: clinical testing. Allele origin: germline.
Comment: This variant was observed in the ICSL laboratory as part of a predisposition screen in an ostensibly healthy population. It had not been previously curated by ICSL or reported in the Human Gene Mutation Database (HGMD: prior to June 1st, 2018), and was therefore a candidate for classification through an automated scoring system. Utilizing variant allele frequency, disease prevalence and penetrance estimates, and inheritance mode, an automated score was calculated to assess if this variant is too frequent to cause the disease. Based on the score and internal cut-off values, a variant classified as benign is not then subjected to further curation. The score for this variant resulted in a classification of benign for this disease.

Illumina Laboratory Services, Illumina
Classification: Uncertain significance for 3-Methylglutaconic aciduria type 3. Last evaluated: 2018-01-12. Review status: criteria provided, single submitter. Criteria: ICSL Variant Classification Criteria 13 December 2019. Collection method: clinical testing. Allele origin: germline.